The following is an entry in ClinVar:

NM_001128228.3(TPRN):c.9_34del (p.Leu4fs)

Genes: TPRN (taperin; minus strand), LOC130003093 (ATAC-STARR-seq lymphoblastoid silent region 20590; plus strand). Cytogenetic location: 9q34.3.
Variant type: Deletion.
Coding change: c.9_34del on transcript NM_001128228.3 (MANE Select); coding-DNA positions 9 to 34, 26 bases deleted (CCTGGGGCGGCCGGGCTCGGGGCCGC).
Protein change: p.Leu4fs; shifts the reading frame from leucine 4.
Molecular consequence: frameshift variant, initiator codon variant.
Genome position (GRCh38, 1-based): chr9:137,200,678-137,200,703, GCGGCCCCGAGCCCGGCCGCCCCAGG deleted on the plus strand (CCTGGGGCGGCCGGGCTCGGGGCCGC on the coding strand, the reverse complement: TPRN is on the minus strand); deleting any 26 consecutive bases within chr9:137,200,678-137,200,709 gives the same sequence; the c. name uses the placement nearest the transcript's 3' end. VCF-style (leftmost placement, unchanged base first): chr9-137200677-CGCGGCCCCGAGCCCGGCCGCCCCAGG-C. GRCh37 (hg19) VCF-style: chr9-140095129-CGCGGCCCCGAGCCCGGCCGCCCCAGG-C.
Other names: short protein forms L4fs.
Identifiers: ClinVar variation 817440 (VCV000817440.2), dbSNP rs1161092674, ClinGen allele CA861147278.

ClinVar aggregate classification (germline): Likely pathogenic (1 of 4 stars; one submission).

Submission:

GeneDx
Classification: Likely pathogenic. Last evaluated: 2019-02-20. Review status: criteria provided, single submitter. Criteria: GeneDx Variant Classification (06012015). Collection method: clinical testing. Allele origin: germline. Affected: yes.
Comment: The c.9_34del26 variant has not been published as a pathogenic variant, nor has it been reported as a benign variant to our knowledge. The variant is not observed in large population cohorts (Lek et al., 2016). It causes a frameshift starting with codon Leucine 4, changes this amino acid to an Arginine residue and creates a premature Stop codon at position 9 of the new reading frame, denoted p.Leu4ArgfsX9. This variant is predicted to cause loss of normal protein function either through protein truncation or nonsense-mediated mRNA decay. We interpret this variant as likely pathogenic.